The following is an entry in ClinVar:

NM_025137.4(SPG11):c.4002-7_4002-1del

Gene: SPG11 (SPG11 vesicle trafficking associated, spatacsin; minus strand). Cytogenetic location: 15q21.1.
Variant type: Deletion.
Coding change: c.4002-7_4002-1del on transcript NM_025137.4 (MANE Select); 7 bases into the intron before coding-DNA position 4002 through the canonical splice acceptor site of the intron before coding-DNA position 4002, 7 bases deleted (ATTATAG; older notation c.4002-7_4002-1delATTATAG).
Molecular consequence: splice acceptor variant.
Genome position (GRCh38, 1-based): chr15:44,596,944-44,596,950, CTATAAT deleted on the plus strand (ATTATAG on the coding strand, the reverse complement: SPG11 is on the minus strand); deleting any 7 consecutive bases within chr15:44,596,944-44,596,951 gives the same sequence; the c. name uses the placement nearest the transcript's 3' end. VCF-style (leftmost placement, unchanged base first): chr15-44596943-CCTATAAT-C. GRCh37 (hg19) VCF-style: chr15-44889141-CCTATAAT-C.
Other names: c.4002-7_4002-1del (NM_001411132.1, NM_001160227.2).
Identifiers: ClinVar variation 2746027 (VCV002746027.3), dbSNP rs2505378945, ClinGen allele CA2697554416.

ClinVar aggregate classification (germline): Likely pathogenic (1 of 4 stars; one submission).

Conditions:
Hereditary spastic paraplegia 11. Also called: Nakamura Osame syndrome; Autosomal recessive hereditary spastic paraplegia, mental impairment, and thin corpus callosum; Spastic paraplegia, mental retardation and thin corpus callosum; SPASTIC PARAPLEGIA, AUTOSOMAL RECESSIVE, COMPLICATED, WITH THIN CORPUS CALLOSUM; SPASTIC PARAPLEGIA, AUTOSOMAL RECESSIVE, WITH MENTAL IMPAIRMENT AND THIN CORPUS CALLOSUM; Spastic Paraplegia 11. Identifiers: Orphanet 2822, MedGen C1858479, MONDO:0011445, OMIM 604360.

Submission:

Labcorp Genetics (formerly Invitae), Labcorp
Classification: Likely pathogenic for Hereditary spastic paraplegia 11. Last evaluated: 2023-05-28. Review status: criteria provided, single submitter. Criteria: Invitae Variant Classification Sherloc (09022015). Collection method: clinical testing. Allele origin: germline.
Comment: In summary, the currently available evidence indicates that the variant is pathogenic, but additional data are needed to prove that conclusively. Therefore, this variant has been classified as Likely Pathogenic. Algorithms developed to predict the effect of sequence changes on RNA splicing suggest that this variant may disrupt the consensus splice site. This variant has not been reported in the literature in individuals affected with SPG11-related conditions. This variant is not present in population databases (gnomAD no frequency). This sequence change affects a splice site in intron 23 of the SPG11 gene. It is expected to disrupt RNA splicing. Variants that disrupt the donor or acceptor splice site typically lead to a loss of protein function (PMID: 16199547), and loss-of-function variants in SPG11 are known to be pathogenic (PMID: 19105190, 20110243, 22154821, 26556829).

Literature cited by the submitters: PubMed 16199547; PubMed 19105190; PubMed 20110243; PubMed 22154821; PubMed 26556829.